The following is an entry in ClinVar:

ClinVar aggregate classification (germline): Uncertain significance (1 of 4 stars; one submission).

gnomAD v4.1: 1 of 1,564,240 alleles (0.000064%); highest among the groups gnomAD compares: Non-Finnish European, 0.000087%; no homozygotes.

Submission:

GeneDx
Classification: Uncertain significance. Last evaluated: 2026-03-04. Review status: criteria provided, single submitter. Criteria: GeneDx Variant Classification Process June 2021. Collection method: clinical testing. Allele origin: germline.
Comment: Not observed at significant frequency in large population cohorts (gnomAD); In silico analysis supports that this missense variant has a deleterious effect on protein structure/function; Has not been previously published as pathogenic or benign to our knowledge

NM_001287491.2(TET3):c.3602C>T (p.Pro1201Leu)

Gene: TET3 (tet methylcytosine dioxygenase 3; plus strand). Cytogenetic location: 2p13.1.
Variant type: single nucleotide variant.
Coding change: c.3602C>T on transcript NM_001287491.2 (MANE Select); coding-DNA position 3602, C replaced by T.
Protein change: p.Pro1201Leu; replaces proline 1201 with leucine.
Molecular consequence: missense variant.
Genome position (GRCh38, 1-based): chr2:74,099,610, C>T. VCF-style: chr2-74099610-C-T. GRCh37 (hg19) VCF-style: chr2-74326737-C-T.
Other names: c.3323C>T, p.Pro1108Leu (NM_001366022.1); short protein forms P1201L, P1108L.
Identifiers: ClinVar variation 5008103 (VCV005008103.1).